The following is an entry in ClinVar:

ClinVar aggregate classification (germline): Conflicting classifications of pathogenicity. Review status: criteria provided, conflicting classifications (1 of 4 stars). 2 submissions from 2 submitters: Uncertain significance (1); Likely benign (1). Last evaluated 2024-11-11.

Allele frequency attached by ClinVar (database versions not stated): gnomAD exomes below 0.00001; gnomAD 0.00001.
gnomAD v4.1: 3 of 1,614,154 alleles (0.00019%); highest among the groups gnomAD compares: Admixed American, 0.0033%; no homozygotes.

Submissions (2):

Labcorp Genetics (formerly Invitae), Labcorp
Classification: Uncertain significance. Last evaluated: 2024-11-11. Review status: criteria provided, single submitter. Criteria: Invitae Variant Classification Sherloc (09022015). Collection method: clinical testing. Allele origin: germline.
Comment: This sequence change replaces phenylalanine, which is neutral and non-polar, with valine, which is neutral and non-polar, at codon 249 of the SLC1A3 protein (p.Phe249Val). This variant is not present in population databases (gnomAD no frequency). This missense change has been observed in individual(s) with clinical features of SLC1A3-related conditions (PMID: 33956305). ClinVar contains an entry for this variant (Variation ID: 1503049). Invitae Evidence Modeling of protein sequence and biophysical properties (such as structural, functional, and spatial information, amino acid conservation, physicochemical variation, residue mobility, and thermodynamic stability) indicates that this missense variant is not expected to disrupt SLC1A3 protein function with a negative predictive value of 80%. In summary, the available evidence is currently insufficient to determine the role of this variant in disease. Therefore, it has been classified as a Variant of Uncertain Significance.

Mendelics
Classification: Likely benign. Last evaluated: 2022-05-04. Review status: criteria provided, single submitter. Criteria: Mendelics Assertion Criteria 2019. Collection method: clinical testing. Allele origin: germline.

Literature cited by the submitters: PubMed 33956305 (cited by Labcorp Genetics (formerly Invitae), Labcorp).

NM_004172.5(SLC1A3):c.745T>G (p.Phe249Val)

Genes: SLC1A3 (solute carrier family 1 member 3; plus strand), SLC1A3-AS1 (SLC1A3 antisense RNA 1; minus strand). Cytogenetic location: 5p13.2.
Variant type: single nucleotide variant.
Coding change: c.745T>G on transcript NM_004172.5 (MANE Select); coding-DNA position 745, T replaced by G.
Protein change: p.Phe249Val; replaces phenylalanine 249 with valine.
Molecular consequence: missense variant. On other transcripts: intron variant (1).
Genome position (GRCh38, 1-based): chr5:36,677,069, T>G. VCF-style: chr5-36677069-T-G. GRCh37 (hg19) VCF-style: chr5-36677171-T-G.
Other names: c.745T>G, p.Phe249Val (NM_001166695.3); c.607T>G, p.Phe203Val (NM_001289939.2); c.525-2558T>G (NM_001289940.2); short protein forms F203V, F249V.
Identifiers: ClinVar variation 1503049 (VCV001503049.7), dbSNP rs547834086, ClinGen allele CA117053911.